The following is an entry in ClinVar:

NM_018297.4(NGLY1):c.1696A>G (p.Ser566Gly)

Gene: NGLY1 (N-glycanase 1; minus strand). Cytogenetic location: 3p24.2.
Variant type: single nucleotide variant.
Coding change: c.1696A>G on transcript NM_018297.4 (MANE Select); coding-DNA position 1696, A replaced by G.
Protein change: p.Ser566Gly; replaces serine 566 with glycine.
Molecular consequence: missense variant. On other transcripts: intron variant (1).
Genome position (GRCh38, 1-based): chr3:25,720,107, T>C on the plus strand (A>G on the coding strand, the complement: NGLY1 is on the minus strand). VCF-style: chr3-25720107-T-C. GRCh37 (hg19) VCF-style: chr3-25761598-T-C.
Other names: c.1642A>G, p.Ser548Gly (NM_001145293.2); c.1570A>G, p.Ser524Gly (NM_001145294.2); c.1612-472A>G (NM_001145295.2); short protein forms S524G, S548G, S566G.
Identifiers: ClinVar variation 1994348 (VCV001994348.4), dbSNP rs2470481412, ClinGen allele CA351894170.

ClinVar aggregate classification (germline): Uncertain significance (1 of 4 stars; one submission).

Conditions:
Congenital disorder of deglycosylation (CDDG). Identifiers: MedGen C3808991, MONDO:0031376.

Submission:

Labcorp Genetics (formerly Invitae), Labcorp
Classification: Uncertain significance for Congenital disorder of deglycosylation. Last evaluated: 2022-05-14. Review status: criteria provided, single submitter. Criteria: Invitae Variant Classification Sherloc (09022015). Collection method: clinical testing. Allele origin: germline.
Comment: In summary, the available evidence is currently insufficient to determine the role of this variant in disease. Therefore, it has been classified as a Variant of Uncertain Significance. Algorithms developed to predict the effect of missense changes on protein structure and function output the following: SIFT: "Tolerated"; PolyPhen-2: "Benign"; Align-GVGD: "Class C0". The glycine amino acid residue is found in multiple mammalian species, which suggests that this missense change does not adversely affect protein function. This variant has not been reported in the literature in individuals affected with NGLY1-related conditions. This variant is not present in population databases (gnomAD no frequency). This sequence change replaces serine, which is neutral and polar, with glycine, which is neutral and non-polar, at codon 566 of the NGLY1 protein (p.Ser566Gly).